The following is an entry in ClinVar:

ClinVar aggregate classification (germline): Uncertain significance (1 of 4 stars; one submission).

Allele frequency attached by ClinVar (database versions not stated): TOPMed 0.00010; gnomAD 0.00011; 1000 Genomes Project 30x 0.00031; 1000 Genomes Project 0.00040.
gnomAD v4.1: 28 of 1,614,174 alleles (0.0017%); highest among the groups gnomAD compares: African/African-American, 0.028%; no homozygotes.

Submission:

Labcorp Genetics (formerly Invitae), Labcorp
Classification: Uncertain significance. Last evaluated: 2022-08-10. Review status: criteria provided, single submitter. Criteria: Invitae Variant Classification Sherloc (09022015). Collection method: clinical testing. Allele origin: germline.
Comment: This sequence change replaces asparagine, which is neutral and polar, with lysine, which is basic and polar, at codon 192 of the CSGALNACT1 protein (p.Asn192Lys). This variant is present in population databases (rs181991673, gnomAD 0.02%). This variant has not been reported in the literature in individuals affected with CSGALNACT1-related conditions. Algorithms developed to predict the effect of missense changes on protein structure and function are either unavailable or do not agree on the potential impact of this missense change (SIFT: "Deleterious"; PolyPhen-2: "Probably Damaging"; Align-GVGD: "Class C0"). In summary, the available evidence is currently insufficient to determine the role of this variant in disease. Therefore, it has been classified as a Variant of Uncertain Significance.

NM_001354483.2(CSGALNACT1):c.576C>G (p.Asn192Lys)

Gene: CSGALNACT1 (chondroitin sulfate N-acetylgalactosaminyltransferase 1; minus strand). Cytogenetic location: 8p21.3.
Variant type: single nucleotide variant.
Coding change: c.576C>G on transcript NM_001354483.2 (MANE Select); coding-DNA position 576, C replaced by G.
Protein change: p.Asn192Lys; replaces asparagine 192 with lysine.
Molecular consequence: missense variant. On other transcripts: non-coding transcript variant (7).
Genome position (GRCh38, 1-based): chr8:19,505,259, G>C on the plus strand (C>G on the coding strand, the complement: CSGALNACT1 is on the minus strand). VCF-style: chr8-19505259-G-C. GRCh37 (hg19) VCF-style: chr8-19362770-G-C.
Other names: c.576C>G, p.Asn192Lys (NM_001130518.2, NM_001354475.2, NM_001354476.2 and 18 more transcripts); short protein forms N192K.
Identifiers: ClinVar variation 2193608 (VCV002193608.1), dbSNP rs181991673, ClinGen allele CA4654213.